The following is an entry in ClinVar:

ClinVar aggregate classification (germline): Conflicting classifications of pathogenicity. Review status: criteria provided, conflicting classifications (1 of 4 stars). 4 submissions from 4 submitters: Uncertain significance (2); Likely benign (2). Last evaluated 2026-01-16.

Conditions:
Long QT syndrome (LQTS). Identifiers: MedGen C0023976, MeSH D008133, MONDO:0002442. Disease mechanism: loss of function. Inheritance: Various modes of inheritance.
CACNA1C-related disorder. Also called: CACNA1C-related disorders; CACNA1C-related condition. Identifiers: MedGen CN381092, MONDO:0700321.
Cardiovascular phenotype. Identifiers: MedGen CN230736.

Allele frequency attached by ClinVar (database versions not stated): ESP Exome Variant Server 0.00008; TOPMed 0.00002; ExAC 0.00003; gnomAD 0.00003; gnomAD exomes 0.00003 and 0.00004.
gnomAD v4.1: 62 of 1,612,554 alleles (0.0038%); highest among the groups gnomAD compares: South Asian, 0.0077%; no homozygotes.

Submissions (4):

PreventionGenetics, part of Exact Sciences
Classification: Uncertain significance for CACNA1C-related condition. Last evaluated: 2026-01-16. Review status: criteria provided, single submitter. Criteria: ACMG Guidelines, 2015. Collection method: clinical testing. Allele origin: germline.
Comment: The CACNA1C c.3386C>T variant is predicted to result in the amino acid substitution p.Thr1129Met. To our knowledge, this variant has not been reported in the literature. This variant is reported in 0.0066% of alleles in individuals of South Asian descent in gnomAD. At this time, the clinical significance of this variant is uncertain due to the absence of conclusive functional and genetic evidence.

Ambry Genetics
Classification: Likely benign for Cardiovascular phenotype. Last evaluated: 2025-07-10. Review status: criteria provided, single submitter. Criteria: Ambry Variant Classification Scheme 2023. Collection method: clinical testing. Allele origin: germline.

Labcorp Genetics (formerly Invitae), Labcorp
Classification: Uncertain significance for Long QT syndrome. Last evaluated: 2025-02-26. Review status: criteria provided, single submitter. Criteria: Invitae Variant Classification Sherloc (09022015). Collection method: clinical testing. Allele origin: germline.
Comment: This sequence change replaces threonine, which is neutral and polar, with methionine, which is neutral and non-polar, at codon 1129 of the CACNA1C protein (p.Thr1129Met). The frequency data for this variant in the population databases is considered unreliable, as metrics indicate poor data quality at this position in the gnomAD database. This variant has not been reported in the literature in individuals affected with CACNA1C-related conditions. ClinVar contains an entry for this variant (Variation ID: 1484843). Invitae Evidence Modeling of protein sequence and biophysical properties (such as structural, functional, and spatial information, amino acid conservation, physicochemical variation, residue mobility, and thermodynamic stability) indicates that this missense variant is not expected to disrupt CACNA1C protein function with a negative predictive value of 80%. In summary, the available evidence is currently insufficient to determine the role of this variant in disease. Therefore, it has been classified as a Variant of Uncertain Significance.

Blueprint Genetics
Classification: Likely benign. Last evaluated: 2023-12-08. Review status: criteria provided, single submitter. Criteria: ACMG Guidelines, 2015. Collection method: clinical testing. Allele origin: germline.

NM_000719.7(CACNA1C):c.3386C>T (p.Thr1129Met)

Gene: CACNA1C (calcium voltage-gated channel subunit alpha1 C; plus strand). Cytogenetic location: 12p13.33.
Variant type: single nucleotide variant.
Coding change: c.3386C>T on transcript NM_000719.7 (MANE Select); coding-DNA position 3386, C replaced by T.
Protein change: p.Thr1129Met; replaces threonine 1129 with methionine.
Molecular consequence: missense variant.
Genome position (GRCh38, 1-based): chr12:2,608,540, C>T. VCF-style: chr12-2608540-C-T. GRCh37 (hg19) VCF-style: chr12-2717706-C-T.
Other names: c.3446C>T, p.Thr1149Met (NM_001129827.2, NM_001129832.2, NM_199460.4); c.3386C>T, p.Thr1129Met (NM_001129829.2, NM_001129830.3, NM_001129831.2 and 15 more transcripts); c.3377C>T, p.Thr1126Met (NM_001129844.2); short protein forms T1126M, T1149M, T1129M.
Identifiers: ClinVar variation 1484843 (VCV001484843.12), dbSNP rs374549078, ClinGen allele CA6389230.